The following is an entry in ClinVar:

NM_000540.3(RYR1):c.8541+3G>A

Genes: RYR1 (ryanodine receptor 1; plus strand), LOC126862902 (BRD4-independent group 4 enhancer GRCh37_chr19:38995830-38997029; plus strand). Cytogenetic location: 19q13.2.
Variant type: single nucleotide variant.
Coding change: c.8541+3G>A on transcript NM_000540.3 (MANE Select); 3 bases into the intron after coding-DNA position 8541, G replaced by A.
Molecular consequence: intron variant.
Genome position (GRCh38, 1-based): chr19:38,505,949, G>A. VCF-style: chr19-38505949-G-A. GRCh37 (hg19) VCF-style: chr19-38996589-G-A.
Other names: c.8541+3G>A (NM_001042723.2).
Identifiers: ClinVar variation 3069543 (VCV003069543.1), dbSNP rs774306739, ClinGen allele CA072233.

ClinVar aggregate classification (germline): Uncertain significance (1 of 4 stars; one submission).

Conditions:
Malignant hyperthermia, susceptibility to, 1 (MHS1). Also called: RYR1-Related Malignant Hyperthermia Susceptibility; Anesthesia related hyperthermia; Malignant hyperpyrexia; Fulminating hyperpyrexia; Pharmacogenic myopathy; Malignant hyperthermia suceptibility 1. Identifiers: Orphanet 423, MedGen C2930980, MONDO:0007783, OMIM 145600.

Allele frequency attached by ClinVar (database versions not stated): gnomAD exomes below 0.00001; ExAC 0.00001.
gnomAD v4.1: 1 of 1,612,308 alleles (0.000062%); highest among the groups gnomAD compares: Admixed American, 0.0017%; no homozygotes.

Submission:

All of Us Research Program, National Institutes of Health
Classification: Uncertain significance for Malignant hyperthermia, susceptibility to, 1. Last evaluated: 2023-06-26. Review status: criteria provided, single submitter. Criteria: ACMG Guidelines, 2015. Collection method: clinical testing. Allele origin: germline. Inheritance: Autosomal dominant inheritance. Observed: 2 variant alleles, 2 heterozygotes.
Comment: This variant causes a G to A nucleotide substitution at the +3 position of intron 54 of the RYR1 gene. To our knowledge, functional studies have not been reported for this variant. This variant has not been reported in individuals affected with RYR1-related disorders in the literature. This variant has been identified in 1/247314 chromosomes in the general population by the Genome Aggregation Database (gnomAD). The available evidence is insufficient to determine the role of this variant in disease conclusively. Therefore, this variant is classified as a Variant of Uncertain Significance.

This study involves interpretation of variants in research participants for the purpose of population health screening. Participant phenotype was not available at the time of variant classification. Additional details can be found in publication PMID: 35346344, PMCID: PMC8962531